The following is an entry in ClinVar:

NM_001363711.2(DUOX2):c.4244A>G (p.Tyr1415Cys)

Gene: DUOX2 (dual oxidase 2; minus strand). Cytogenetic location: 15q21.1.
Variant type: single nucleotide variant.
Coding change: c.4244A>G on transcript NM_001363711.2 (MANE Select); coding-DNA position 4244, A replaced by G.
Protein change: p.Tyr1415Cys; replaces tyrosine 1415 with cysteine.
Molecular consequence: missense variant.
Genome position (GRCh38, 1-based): chr15:45,095,087, T>C on the plus strand (A>G on the coding strand, the complement: DUOX2 is on the minus strand). VCF-style: chr15-45095087-T-C. GRCh37 (hg19) VCF-style: chr15-45387285-T-C.
Other names: c.4244A>G, p.Tyr1415Cys (NM_014080.5); short protein forms Y1415C.
Identifiers: ClinVar variation 3902512 (VCV003902512.1).

ClinVar aggregate classification (germline): Uncertain significance (1 of 4 stars; one submission).

gnomAD v4.1: 5 of 1,613,404 alleles (0.00031%); highest among the groups gnomAD compares: African/African-American, 0.0053%; no homozygotes.

Submission:

Women's Health and Genetics/Laboratory Corporation of America, LabCorp
Classification: Uncertain significance. Last evaluated: 2025-05-05. Review status: criteria provided, single submitter. Criteria: LabCorp Variant Classification Summary - May 2015. Collection method: clinical testing. Allele origin: germline.
Comment: Variant summary: DUOX2 c.4244A>G (p.Tyr1415Cys) results in a non-conservative amino acid change in the encoded protein sequence. Algorithms developed to predict the effect of missense changes on protein structure and function all suggest that this variant is likely to be disruptive. The variant allele was found at a frequency of 4e-06 in 250938 control chromosomes. The available data on variant occurrences in the general population are insufficient to allow any conclusion about variant significance. c.4244A>G has been observed in at least one compound heterozygous individual affected with congenital hypothyroidism (e.g. Wang_2020). These data do not allow any conclusion about variant significance. To our knowledge, no experimental evidence demonstrating an impact on protein function has been reported. The following publication has been ascertained in the context of this evaluation (PMID: 32319661). No submitters have cited clinical-significance assessments for this variant to ClinVar. Based on the evidence outlined above, the variant was classified as uncertain significance.

Literature cited by the submitters: PubMed 32319661.